The following is an entry in ClinVar:

NM_014425.5(INVS):c.2557GAG[1] (p.Glu854del)

Gene: INVS (inversin; plus strand). Cytogenetic location: 9q31.1.
Variant type: Microsatellite.
Coding change: c.2557GAG[1] on transcript NM_014425.5 (MANE Select); one copy of the 3-base unit GAG starting at c.2557; the reference has two copies in a row; one copy, 3 bases deleted.
Protein change: p.Glu854del; deletes glutamic acid 854.
Molecular consequence: inframe deletion. On other transcripts: non-coding transcript variant (1).
Genome position (GRCh38, 1-based): chr9:100,292,817-100,292,819, GAG deleted; deleting any 3 consecutive bases within chr9:100,292,814-100,292,819 gives the same sequence; the position shown is the placement nearest the transcript's 3' end. VCF-style (leftmost placement, unchanged base first): chr9-100292813-AGAG-A. GRCh37 (hg19) VCF-style: chr9-103055095-AGAG-A.
Other names: c.2269GAG[1], p.Glu758del (NM_001318381.2); c.1579GAG[1], p.Glu528del (NM_001318382.2); short protein forms E758del, E854del, E528del.
Identifiers: ClinVar variation 2060192 (VCV002060192.4), dbSNP rs2490117596, ClinGen allele CA2580616271.
Genomic context (GRCh38, chr9:100,292,813, plus strand): 5'-AAACAAAGTGACACAAGCCAAGCTCACAGGAGGGCTCTATTCACATTTGCCACAGAGCAC[AGAG>A]GAGTTGAGGTCAGGAGCTAGGAGGCTGGAGACATCTACCCTGTCCGAGGACTTTCAGGTA-3'

ClinVar aggregate classification (germline): Uncertain significance (1 of 4 stars; one submission).

Conditions:
Nephronophthisis. Also called: Juvenile Nephronophthisis. Identifiers: Orphanet 655, MedGen C0687120, MONDO:0019005, HP:0000090.

Submission:

Labcorp Genetics (formerly Invitae), Labcorp
Classification: Uncertain significance for Nephronophthisis. Last evaluated: 2022-06-04. Review status: criteria provided, single submitter. Criteria: Invitae Variant Classification Sherloc (09022015). Collection method: clinical testing. Allele origin: germline.
Comment: Experimental studies and prediction algorithms are not available or were not evaluated, and the functional significance of this variant is currently unknown. In summary, the available evidence is currently insufficient to determine the role of this variant in disease. Therefore, it has been classified as a Variant of Uncertain Significance. This variant has not been reported in the literature in individuals affected with INVS-related conditions. This variant is not present in population databases (gnomAD no frequency). This variant, c.2560_2562del, results in the deletion of 1 amino acid(s) of the INVS protein (p.Glu854del), but otherwise preserves the integrity of the reading frame.